The following is an entry in ClinVar:

ClinVar aggregate classification (germline): Uncertain significance (1 of 4 stars; one submission).

gnomAD v4.1: 13 of 1,614,032 alleles (0.00081%); highest among the groups gnomAD compares: East Asian, 0.0067%; no homozygotes.

Submission:

Women's Health and Genetics/Laboratory Corporation of America, LabCorp
Classification: Uncertain significance. Last evaluated: 2024-05-10. Review status: criteria provided, single submitter. Criteria: LabCorp Variant Classification Summary - May 2015. Collection method: clinical testing. Allele origin: germline.
Comment: Variant summary: SCO2 c.661A>G (p.Ile221Val) results in a conservative amino acid change located in the thioredoxin domain (IPR013766) of the encoded protein sequence. Three of five in-silico tools predict a damaging effect of the variant on protein function. The variant was absent in 251428 control chromosomes. The available data on variant occurrences in the general population are insufficient to allow any conclusion about variant significance. c.661A>G has been reported in the literature in at least one individual affected with high myopia (e.g. Cai_2019). These report(s) do not provide unequivocal conclusions about association of the variant with Mitochondrial complex IV deficiency, nuclear type 2. To our knowledge, no experimental evidence demonstrating an impact on protein function has been reported. The following publication have been ascertained in the context of this evaluation (PMID: 31560770). No submitters have cited clinical-significance assessments for this variant to ClinVar. Based on the evidence outlined above, the variant was classified as uncertain significance.

Literature cited by the submitters: PubMed 31560770.

NM_005138.3(SCO2):c.661A>G (p.Ile221Val)

Genes: NCAPH2 (non-SMC condensin II complex subunit H2; plus strand), SCO2 (synthesis of cytochrome C oxidase 2; minus strand). Cytogenetic location: 22q13.33.
Variant type: single nucleotide variant.
Coding change: c.661A>G on transcript NM_005138.3 (MANE Select); coding-DNA position 661, A replaced by G.
Protein change: p.Ile221Val; replaces isoleucine 221 with valine.
Molecular consequence: missense variant. On other transcripts: 3 prime UTR variant (2).
Genome position (GRCh38, 1-based): chr22:50,523,751, T>C on the plus strand (A>G on the coding strand, the complement: SCO2 is on the minus strand). VCF-style: chr22-50523751-T-C. GRCh37 (hg19) VCF-style: chr22-50962180-T-C.
Other names: c.*376T>C (NM_001185011.2, NM_152299.4); c.661A>G, p.Ile221Val (NM_001169109.2, NM_001169110.1, NM_001169111.2); short protein forms I221V.
Identifiers: ClinVar variation 3336035 (VCV003336035.1).